The following is an entry in ClinVar:

NM_001128178.3(NPHP1):c.286C>T (p.Leu96=)

Gene: NPHP1 (nephrocystin 1; minus strand). Cytogenetic location: 2q13.
Variant type: single nucleotide variant.
Coding change: c.286C>T on transcript NM_001128178.3 (MANE Select); coding-DNA position 286, C replaced by T.
Protein change: p.Leu96=; no amino-acid change (leucine 96 retained).
Molecular consequence: synonymous variant. On other transcripts: intron variant (1).
Genome position (GRCh38, 1-based): chr2:110,178,466, G>A on the plus strand (C>T on the coding strand, the complement: NPHP1 is on the minus strand). VCF-style: chr2-110178466-G-A. GRCh37 (hg19) VCF-style: chr2-110936043-G-A.
Other names: c.286C>T (NM_000272.3); c.286C>T, p.Leu96= (NM_000272.5, NM_001374256.1, NM_001374257.1 and 1 more transcripts); c.144-8468C>T (NM_001128179.3).
Identifiers: ClinVar variation 3013798 (VCV003013798.5), dbSNP rs565500579, ClinGen allele CA53525004.

ClinVar aggregate classification (germline): Likely benign. Review status: criteria provided, single submitter (1 of 4 stars). 2 submissions from 2 submitters: Likely benign (1). 1 of the submissions does not count toward it. Last evaluated 2025-10-25.

Conditions:
NPHP1-related disorder. Also called: NPHP1-related condition; NPHP1-related disorders.
Nephronophthisis. Also called: Juvenile Nephronophthisis. Identifiers: Orphanet 655, MedGen C0687120, MONDO:0019005, HP:0000090.

Allele frequency attached by ClinVar (database versions not stated): gnomAD exomes below 0.00001; TOPMed below 0.00001; gnomAD 0.00001; 1000 Genomes Project 30x 0.00016; 1000 Genomes Project 0.00020.

Submissions (2):

Labcorp Genetics (formerly Invitae), Labcorp
Classification: Likely benign for Nephronophthisis. Last evaluated: 2025-10-25. Review status: criteria provided, single submitter. Criteria: Invitae Variant Classification Sherloc (09022015). Collection method: clinical testing. Allele origin: germline.

PreventionGenetics, part of Exact Sciences
Classification: Likely benign for NPHP1-related condition. Last evaluated: 2022-03-16. Review status: no assertion criteria provided. Collection method: clinical testing. Allele origin: germline. Not counted in ClinVar's aggregate classification.
Comment: This variant is classified as likely benign based on ACMG/AMP sequence variant interpretation guidelines (Richards et al. 2015 PMID: 25741868, with internal and published modifications).